The following is an entry in ClinVar:

ClinVar aggregate classification (germline): Uncertain significance (1 of 4 stars; one submission).

Conditions:
CUX2-related disorder. Also called: CUX2-related condition.

gnomAD v4.1: 7 of 1,610,936 alleles (0.00043%); highest among the groups gnomAD compares: East Asian, 0.0089%; no homozygotes.

Submission:

PreventionGenetics, part of Exact Sciences
Classification: Uncertain significance for CUX2-related condition. Last evaluated: 2024-10-25. Review status: criteria provided, single submitter. Criteria: ACMG Guidelines, 2015. Collection method: clinical testing. Allele origin: germline.
Comment: The CUX2 c.410G>C variant is predicted to result in the amino acid substitution p.Arg137Thr. To our knowledge, this variant has not been reported in the literature. This variant is reported in 0.0056% of alleles in individuals of East Asian descent in gnomAD. At this time, the clinical significance of this variant is uncertain due to the absence of conclusive functional and genetic evidence.

NM_015267.4(CUX2):c.410G>C (p.Arg137Thr)

Gene: CUX2 (cut like homeobox 2; plus strand). Cytogenetic location: 12q24.11.
Variant type: single nucleotide variant.
Coding change: c.410G>C on transcript NM_015267.4 (MANE Select); coding-DNA position 410, G replaced by C.
Protein change: p.Arg137Thr; replaces arginine 137 with threonine.
Molecular consequence: missense variant.
Genome position (GRCh38, 1-based): chr12:111,291,526, G>C. VCF-style: chr12-111291526-G-C. GRCh37 (hg19) VCF-style: chr12-111729330-G-C.
Other names: c.224G>C, p.Arg75Thr (NM_001370598.1); short protein forms R137T, R75T.
Identifiers: ClinVar variation 4977343 (VCV004977343.1).